The following is an entry in ClinVar:

NM_001999.4(FBN2):c.3061C>T (p.Arg1021Cys)

Genes: FBN2 (fibrillin 2; minus strand), LOC126807501 (BRD4-independent group 4 enhancer GRCh37_chr5:127680731-127681930; plus strand). Cytogenetic location: 5q23.3.
Variant type: single nucleotide variant.
Coding change: c.3061C>T on transcript NM_001999.4 (MANE Select); coding-DNA position 3061, C replaced by T.
Protein change: p.Arg1021Cys; replaces arginine 1021 with cysteine.
Molecular consequence: missense variant.
Genome position (GRCh38, 1-based): chr5:128,345,513, G>A on the plus strand (C>T on the coding strand, the complement: FBN2 is on the minus strand). VCF-style: chr5-128345513-G-A. GRCh37 (hg19) VCF-style: chr5-127681205-G-A.
Other names: short protein forms R1021C.
Identifiers: ClinVar variation 213297 (VCV000213297.23), dbSNP rs541842635, ClinGen allele CA323583.

ClinVar aggregate classification (germline): Conflicting classifications of pathogenicity. Review status: criteria provided, conflicting classifications (1 of 4 stars). 9 submissions from 9 submitters: Uncertain significance (8); Likely benign (1). Last evaluated 2025-12-18.

Conditions:
Connective tissue disorder. Also called: Connective tissue disease. Identifiers: MedGen C0009782, MONDO:0003900.
FBN2-related disorder. Also called: FBN2-related condition.
Ehlers-Danlos syndrome (EDS). Identifiers: Orphanet 98249, MedGen C0013720, MONDO:0020066.
Familial thoracic aortic aneurysm and aortic dissection (TAAD). Also called: Thoracic aortic aneurysms and dissections. Identifiers: Orphanet 91387, MedGen C4707243, MONDO:0019625.
Congenital contractural arachnodactyly (CCA). Also called: BEALS SYNDROME; Beals-Hecht syndrome; Arthrogryposis, distal, type 9. Identifiers: Orphanet 115, MedGen C0220668, MONDO:0007363, OMIM 121050.

Allele frequency attached by ClinVar (database versions not stated): gnomAD 0.00003 and 0.00004; TOPMed 0.00006.

Submissions (9):

Ambry Genetics
Classification: Uncertain significance for Familial thoracic aortic aneurysm and aortic dissection. Last evaluated: 2025-12-18. Review status: criteria provided, single submitter. Criteria: Ambry Variant Classification Scheme 2023. Collection method: clinical testing. Allele origin: germline.
Comment: The p.R1021C variant (also known as c.3061C>T), located in coding exon 24 of the FBN2 gene, results from a C to T substitution at nucleotide position 3061. The arginine at codon 1021 is replaced by cysteine, an amino acid with highly dissimilar properties. In one study, 13 of 14 reportedFBN2mutations were located in the middle region of the gene (exons24-36), and 7of these mutations were noted to alter or produce a cysteine residue (CallewaertBL et al.HumMutat. 2009;30(3):334-341). This variant was reported in one individual from an adolescent idiopathic scoliosis cohort; however, clinical details were limited (Buchan JG et al. Hum Mol Genet, 2014 Oct;23:5271-82). This amino acid position is highly conserved in available vertebrate species. In addition, this alteration is predicted to be deleterious by in silico analysis. Since supporting evidence is limited at this time, the clinical significance of this alteration remains unclear.

Labcorp Genetics (formerly Invitae), Labcorp
Classification: Uncertain significance for Congenital contractural arachnodactyly. Last evaluated: 2025-04-07. Review status: criteria provided, single submitter. Criteria: Invitae Variant Classification Sherloc (09022015). Collection method: clinical testing. Allele origin: germline.
Comment: This sequence change replaces arginine, which is basic and polar, with cysteine, which is neutral and slightly polar, at codon 1021 of the FBN2 protein (p.Arg1021Cys). This variant is present in population databases (rs541842635, gnomAD 0.009%). This missense change has been observed in individual(s) with scoliosis (PMID: 24833718). ClinVar contains an entry for this variant (Variation ID: 213297). Invitae Evidence Modeling of protein sequence and biophysical properties (such as structural, functional, and spatial information, amino acid conservation, physicochemical variation, residue mobility, and thermodynamic stability) indicates that this missense variant is expected to disrupt FBN2 protein function with a positive predictive value of 80%. In summary, the available evidence is currently insufficient to determine the role of this variant in disease. Therefore, it has been classified as a Variant of Uncertain Significance.

GeneDx
Classification: Uncertain significance. Last evaluated: 2024-12-31. Review status: criteria provided, single submitter. Criteria: GeneDx Variant Classification Process June 2021. Collection method: clinical testing. Allele origin: germline. Affected: yes.
Comment: In silico analysis supports that this missense variant has a deleterious effect on protein structure/function; This variant is associated with the following publications: (PMID: 19006240, 18767143, 24833718)

Women's Health and Genetics/Laboratory Corporation of America, LabCorp
Classification: Likely benign. Last evaluated: 2024-11-19. Review status: criteria provided, single submitter. Criteria: LabCorp Variant Classification Summary - May 2015. Collection method: clinical testing. Allele origin: germline.
Comment: Variant summary: FBN2 c.3061C>T (p.Arg1021Cys) results in a non-conservative amino acid change in the encoded protein sequence. Five of five in-silico tools predict a damaging effect of the variant on protein function. The variant allele was found at a frequency of 4.2e-05 in 1613984 control chromosomes. The observed variant frequency is approximately 34 fold of the estimated maximal expected allele frequency for a pathogenic variant in FBN2 causing Aortopathy phenotype (1.3e-06). c.3061C>T has been reported in the literature in at-least one individual affected with adolescent idiopathic scoliosis (Buchan_2014). These report(s) do not provide unequivocal conclusions about association of the variant with Aortopathy. To our knowledge, no experimental evidence demonstrating an impact on protein function has been reported. The following publication has been ascertained in the context of this evaluation (PMID: 24833718). ClinVar contains an entry for this variant (Variation ID: 213297). Based on the evidence outlined above, the variant was classified as likely benign.

PreventionGenetics, part of Exact Sciences
Classification: Uncertain significance for FBN2-related condition. Last evaluated: 2024-11-06. Review status: criteria provided, single submitter. Criteria: ACMG Guidelines, 2015. Collection method: clinical testing. Allele origin: germline.
Comment: The FBN2 c.3061C>T variant is predicted to result in the amino acid substitution p.Arg1021Cys. This variant has been reported in an individual with adolescent idiopathic scoliosis (Buchan et al. 2014. PubMed ID: 24833718). This variant is present in 0.0097% of alleles in individuals of European (Non-Finnish) descent in gnomAD. At this time, the clinical significance of this variant is uncertain due to the absence of conclusive functional and genetic evidence.

Blueprint Genetics
Classification: Uncertain significance. Last evaluated: 2022-12-21. Review status: criteria provided, single submitter. Criteria: ACMG Guidelines, 2015. Collection method: clinical testing. Allele origin: germline.

Genome Diagnostics Laboratory, The Hospital for Sick Children
Classification: Uncertain significance for Ehlers-Danlos syndrome. Last evaluated: 2019-12-01. Review status: criteria provided, single submitter. Criteria: ACMG Guidelines, 2015. Collection method: clinical testing. Allele origin: germline.

Illumina Laboratory Services, Illumina
Classification: Uncertain significance for Congenital contractural arachnodactyly. Last evaluated: 2017-08-07. Review status: criteria provided, single submitter. Criteria: ICSL Variant Classification Criteria 13 December 2019. Collection method: clinical testing. Allele origin: germline.
Comment: This variant was observed as part of a predisposition screen in an ostensibly healthy population. A literature search was performed for the gene, cDNA change, and amino acid change (where applicable). Publications were found based on this search. However, the evidence from the literature, in combination with allele frequency data from public databases where available, was not sufficient to rule this variant in or out of causing disease. Therefore, this variant is classified as a variant of unknown significance.

Center for Human Genetics, Inc
Classification: Uncertain significance for Connective tissue disorder. Last evaluated: 2016-11-01. Review status: criteria provided, single submitter. Criteria: ACMG Guidelines, 2015. Collection method: clinical testing. Allele origin: germline. Affected: yes.

Literature cited by the submitters: PubMed 24833718 (cited by 4 submitters).